The following is an entry in ClinVar:

NM_001190.4(BCAT2):c.616G>A (p.Val206Met)

Gene: BCAT2 (branched chain amino acid transaminase 2; minus strand). Cytogenetic location: 19q13.33.
Variant type: single nucleotide variant.
Coding change: c.616G>A on transcript NM_001190.4 (MANE Select); coding-DNA position 616, G replaced by A.
Protein change: p.Val206Met; replaces valine 206 with methionine.
Molecular consequence: missense variant.
Genome position (GRCh38, 1-based): chr19:48,799,754, C>T on the plus strand (G>A on the coding strand, the complement: BCAT2 is on the minus strand). VCF-style: chr19-48799754-C-T. GRCh37 (hg19) VCF-style: chr19-49303011-C-T.
Other names: c.340G>A, p.Val114Met (NM_001164773.2); c.496G>A, p.Val166Met (NM_001284325.2); short protein forms V114M, V206M, V166M.
Identifiers: ClinVar variation 2870532 (VCV002870532.3), dbSNP rs1393183522, ClinGen allele CA406724618.

ClinVar aggregate classification (germline): Uncertain significance (1 of 4 stars; one submission).

Submission:

Labcorp Genetics (formerly Invitae), Labcorp
Classification: Uncertain significance. Last evaluated: 2023-11-27. Review status: criteria provided, single submitter. Criteria: Invitae Variant Classification Sherloc (09022015). Collection method: clinical testing. Allele origin: germline.
Comment: This sequence change replaces valine, which is neutral and non-polar, with methionine, which is neutral and non-polar, at codon 206 of the BCAT2 protein (p.Val206Met). This variant is not present in population databases (gnomAD no frequency). This variant has not been reported in the literature in individuals affected with BCAT2-related conditions. Advanced modeling of protein sequence and biophysical properties (such as structural, functional, and spatial information, amino acid conservation, physicochemical variation, residue mobility, and thermodynamic stability) performed at Invitae indicates that this missense variant is not expected to disrupt BCAT2 protein function with a negative predictive value of 80%. In summary, the available evidence is currently insufficient to determine the role of this variant in disease. Therefore, it has been classified as a Variant of Uncertain Significance.